The following is an entry in ClinVar:

NM_017849.4(TMEM127):c.317G>A (p.Cys106Tyr)

Gene: TMEM127 (transmembrane protein 127; minus strand). Cytogenetic location: 2q11.2.
Variant type: single nucleotide variant.
Coding change: c.317G>A on transcript NM_017849.4 (MANE Select); coding-DNA position 317, G replaced by A.
Protein change: p.Cys106Tyr; replaces cysteine 106 with tyrosine.
Molecular consequence: missense variant.
Genome position (GRCh38, 1-based): chr2:96,254,925, C>T on the plus strand (G>A on the coding strand, the complement: TMEM127 is on the minus strand). VCF-style: chr2-96254925-C-T. GRCh37 (hg19) VCF-style: chr2-96920663-C-T.
Other names: c.317G>A, p.Cys106Tyr (NM_001193304.3); c.65G>A, p.Cys22Tyr (NM_001407282.1, NM_001407283.1); short protein forms C106Y, C22Y.
Identifiers: ClinVar variation 3227071 (VCV003227071.1), dbSNP rs2104287456, ClinGen allele CA347653470.

ClinVar aggregate classification (germline): Uncertain significance (1 of 4 stars; one submission).

Conditions:
Hereditary cancer-predisposing syndrome. Also called: Neoplastic Syndromes, Hereditary; Tumor predisposition; Hereditary neoplastic syndrome; Hereditary Cancer Syndrome. Identifiers: Orphanet 140162, MedGen C0027672, MeSH D009386, MONDO:0015356.

Allele frequency attached by ClinVar (database versions not stated): gnomAD exomes below 0.00001.

Submission:

Ambry Genetics
Classification: Uncertain significance for Hereditary cancer-predisposing syndrome. Last evaluated: 2024-03-06. Review status: criteria provided, single submitter. Criteria: Ambry Variant Classification Scheme 2023. Collection method: clinical testing. Allele origin: germline.
Comment: The p.C106Y variant (also known as c.317G>A), located in coding exon 2 of the TMEM127 gene, results from a G to A substitution at nucleotide position 317. The cysteine at codon 106 is replaced by tyrosine, an amino acid with highly dissimilar properties. This amino acid position is conserved. In addition, this alteration is predicted to be deleterious by in silico analysis. Based on the available evidence, the clinical significance of this alteration remains unclear.